The following is an entry in ClinVar:

ClinVar aggregate classification (germline): Uncertain significance (1 of 4 stars; one submission).

Conditions:
Inborn genetic diseases. Identifiers: MedGen C0950123, MeSH D030342.

gnomAD v4.1: 1 of 1,318,532 alleles (0.000076%); no homozygotes.

Submission:

Ambry Genetics
Classification: Uncertain significance for Inborn genetic diseases. Last evaluated: 2024-11-28. Review status: criteria provided, single submitter. Criteria: Ambry Variant Classification Scheme 2023. Collection method: clinical testing. Allele origin: germline.
Comment: The p.P187L variant (also known as c.560C>T), located in coding exon 1 of the CEBPA gene, results from a C to T substitution at nucleotide position 560. The proline at codon 187 is replaced by leucine, an amino acid with similar properties. This amino acid position is conserved. In addition, this alteration is predicted to be tolerated by in silico analysis. Based on the available evidence, the clinical significance of this variant remains unclear.

NM_004364.5(CEBPA):c.560C>T (p.Pro187Leu)

Gene: CEBPA (CCAAT enhancer binding protein alpha; minus strand). Cytogenetic location: 19q13.11.
Variant type: single nucleotide variant.
Coding change: c.560C>T on transcript NM_004364.5 (MANE Select); coding-DNA position 560, C replaced by T.
Protein change: p.Pro187Leu; replaces proline 187 with leucine.
Molecular consequence: missense variant.
Genome position (GRCh38, 1-based): chr19:33,301,855, G>A on the plus strand (C>T on the coding strand, the complement: CEBPA is on the minus strand). VCF-style: chr19-33301855-G-A. GRCh37 (hg19) VCF-style: chr19-33792761-G-A.
Other names: c.203C>T, p.Pro68Leu (NM_001285829.2); c.665C>T, p.Pro222Leu (NM_001287424.2); c.518C>T, p.Pro173Leu (NM_001287435.2); short protein forms P222L, P173L, P187L, P68L.
Identifiers: ClinVar variation 3489913 (VCV003489913.1).
Genomic context (GRCh38, chr19:33,301,855, plus strand): 5'-TGCAGGTGCGGGGCGGCCAGGTGCGCGGGCGGCGGGTGCGGGTGCGGGTGCGAGGGCGGC[G>A]GCGGCGGCGGCGGCTGGTAAGGGAAGAGGCCGGCCAGCGCCAGCTGCTTGGCTTCATCCT-3'
Protein context (NP_004355.2, residues 177-197): GLFPYQPPPP[Pro187Leu]PPSHPHPHPP